The following is an entry in ClinVar:

NM_033380.3(COL4A5):c.2138del (p.Gly713fs)

Gene: COL4A5 (collagen type IV alpha 5 chain; plus strand). Cytogenetic location: Xq22.3.
Variant type: Deletion.
Coding change: c.2138del on transcript NM_033380.3 (MANE Select); coding-DNA position 2138, one base deleted (G; older notation c.2138delG).
Protein change: p.Gly713fs; shifts the reading frame from glycine 713.
Molecular consequence: frameshift variant.
Genome position (GRCh38, 1-based): chrX:108,601,981, G deleted; the last of 2 consecutive G bases (chrX:108,601,980-108,601,981); deleting either gives the same sequence. VCF-style (leftmost placement, unchanged base first): chrX-108601979-TG-T. GRCh37 (hg19) VCF-style: chrX-107845209-TG-T.
Other names: p.(Gly713Valfs*23); c.2138del, p.Gly713fs (NM_000495.5); short protein forms G713fs.
Identifiers: ClinVar variation 5041997 (VCV005041997.1).

ClinVar aggregate classification (germline): Pathogenic (1 of 4 stars; one submission).

Conditions:
X-linked Alport syndrome (ATS1). Also called: NEPHROPATHY AND DEAFNESS, X-LINKED; COL4A5-Related Nephropathy. Identifiers: Orphanet 63, Orphanet 88917, MedGen C4746986, MONDO:0010520, OMIM 301050.

Submission:

Centre de Génétique Humaine, Institut de Pathologie Et de Génétique
Classification: Pathogenic for X-linked Alport syndrome. Last evaluated: 2026-06-10. Review status: criteria provided, single submitter. Criteria: ACMG Guidelines, 2015. Collection method: clinical testing. Allele origin: germline. Inheritance: X-linked dominant inheritance. Affected: yes. Observed: 1 variant allele, 1 heterozygote. Segregation with disease not observed.
Comment: This 1bp deletion is a frameshift variant predicted to result in protein truncation or nonsense mediated decay in a gene for which loss-of-function is a known mechanism of disease (PVS1). This variant is rare: absent in gnomAD v4.1.0 database (PM2).